The following is an entry in ClinVar:

ClinVar aggregate classification (germline): Uncertain significance (1 of 4 stars; one submission).

Conditions:
Weaver syndrome (WVS). Also called: Weaver Smith syndrome; Overgrowth syndrome with accelerated skeletal maturation, unusual facies, and camptodactyly. Identifiers: Orphanet 3447, MedGen C0265210, MONDO:0010193, OMIM 277590.

gnomAD v4.1: 7 of 1,613,748 alleles (0.00043%); highest among the groups gnomAD compares: Non-Finnish European, 0.00059%; no homozygotes.

Submission:

Labcorp Genetics (formerly Invitae), Labcorp
Classification: Uncertain significance for Weaver syndrome. Last evaluated: 2022-10-12. Review status: criteria provided, single submitter. Criteria: Invitae Variant Classification Sherloc (09022015). Collection method: clinical testing. Allele origin: germline.
Comment: In summary, the available evidence is currently insufficient to determine the role of this variant in disease. Therefore, it has been classified as a Variant of Uncertain Significance. Advanced modeling of protein sequence and biophysical properties (such as structural, functional, and spatial information, amino acid conservation, physicochemical variation, residue mobility, and thermodynamic stability) performed at Invitae indicates that this missense variant is not expected to disrupt EZH2 protein function. This variant has not been reported in the literature in individuals affected with EZH2-related conditions. This variant is not present in population databases (gnomAD no frequency). This sequence change replaces arginine, which is basic and polar, with glutamine, which is neutral and polar, at codon 63 of the EZH2 protein (p.Arg63Gln).

NM_004456.5(EZH2):c.188G>A (p.Arg63Gln)

Gene: EZH2 (enhancer of zeste 2 polycomb repressive complex 2 subunit; minus strand). Cytogenetic location: 7q36.1.
Variant type: single nucleotide variant.
Coding change: c.188G>A on transcript NM_004456.5 (MANE Select); coding-DNA position 188, G replaced by A.
Protein change: p.Arg63Gln; replaces arginine 63 with glutamine.
Molecular consequence: missense variant.
Genome position (GRCh38, 1-based): chr7:148,846,528, C>T on the plus strand (G>A on the coding strand, the complement: EZH2 is on the minus strand). VCF-style: chr7-148846528-C-T. GRCh37 (hg19) VCF-style: chr7-148543620-C-T.
Other names: c.188G>A, p.Arg63Gln (NM_001203247.2, NM_001203248.2, NM_001203249.2 and 1 more transcripts); short protein forms R63Q.
Identifiers: ClinVar variation 2045294 (VCV002045294.4), dbSNP rs2129484978, ClinGen allele CA369708200.
Genomic context (GRCh38, chr7:148,846,528, plus strand): 5'-ACCTCCCTAGTCCCGCGCAATGAGCTCACAGAAGTCAGGATGTGCACAGGCTGTATCCTT[C>T]GCTGTTTCCATTCTTGGTTTAAGATTTCCGTTCTTTCCAAAATTTTCTGACGATTGGAAC-3'
Protein context (NP_004447.2, residues 53-73): TEILNQEWKQ[Arg63Gln]RIQPVHILTS